The following is an entry in ClinVar:

NM_000257.4(MYH7):c.3728C>G (p.Ala1243Gly)

Gene: MYH7 (myosin heavy chain 7; minus strand). Cytogenetic location: 14q11.2.
Variant type: single nucleotide variant.
Coding change: c.3728C>G on transcript NM_000257.4 (MANE Select); coding-DNA position 3728, C replaced by G.
Protein change: p.Ala1243Gly; replaces alanine 1243 with glycine.
Molecular consequence: missense variant.
Genome position (GRCh38, 1-based): chr14:23,419,608, G>C on the plus strand (C>G on the coding strand, the complement: MYH7 is on the minus strand). VCF-style: chr14-23419608-G-C. GRCh37 (hg19) VCF-style: chr14-23888817-G-C.
Other names: c.3728C>G, p.Ala1243Gly (NM_001407004.1); short protein forms A1243G.
Identifiers: ClinVar variation 2123160 (VCV002123160.4), dbSNP rs2502262257, ClinGen allele CA389042842.
Genomic context (GRCh38, chr14:23,419,608, plus strand): 5'-GCCTTGCTCCGGTGCTCATTCATCTGGTCTTCCAAGGTCCGGCACATCTTCTCCAGGTTA[G>C]CCTGAGAAGGGAAGGAGAGTTATATGATGGATGTTGGGGGCGGGGGGAATGAAGGGGTGT-3'
Protein context (NP_000248.2, residues 1233-1253): SNMEQIIKAK[Ala1243Gly]NLEKMCRTLE

ClinVar aggregate classification (germline): Uncertain significance (1 of 4 stars; one submission).

Conditions:
Hypertrophic cardiomyopathy. Also called: HYPERTROPHIC MYOCARDIOPATHY. Identifiers: Orphanet 217569, MedGen C0007194, MeSH D002312, MONDO:0005045, HP:0001639.

Submission:

Labcorp Genetics (formerly Invitae), Labcorp
Classification: Uncertain significance for Hypertrophic cardiomyopathy. Last evaluated: 2023-04-19. Review status: criteria provided, single submitter. Criteria: Invitae Variant Classification Sherloc (09022015). Collection method: clinical testing. Allele origin: germline.
Comment: This sequence change replaces alanine, which is neutral and non-polar, with glycine, which is neutral and non-polar, at codon 1243 of the MYH7 protein (p.Ala1243Gly). In summary, the available evidence is currently insufficient to determine the role of this variant in disease. Therefore, it has been classified as a Variant of Uncertain Significance. An algorithm developed to predict the effect of missense changes on protein structure and function (PolyPhen-2) suggests that this variant is likely to be tolerated. ClinVar contains an entry for this variant (Variation ID: 2123160). This variant has not been reported in the literature in individuals affected with MYH7-related conditions. This variant is not present in population databases (gnomAD no frequency).